The following is an entry in ClinVar:

NM_152743.4(BRAT1):c.34C>G (p.Leu12Val)

Gene: BRAT1 (BRCA1 associated ATM activator 1; minus strand). Cytogenetic location: 7p22.3.
Variant type: single nucleotide variant.
Coding change: c.34C>G on transcript NM_152743.4 (MANE Select); coding-DNA position 34, C replaced by G.
Protein change: p.Leu12Val; replaces leucine 12 with valine.
Molecular consequence: missense variant. On other transcripts: 5 prime UTR variant (1), non-coding transcript variant (1).
Genome position (GRCh38, 1-based): chr7:2,554,398, G>C on the plus strand (C>G on the coding strand, the complement: BRAT1 is on the minus strand). VCF-style: chr7-2554398-G-C. GRCh37 (hg19) VCF-style: chr7-2594032-G-C.
Other names: c.34C>G, p.Leu12Val (NM_001350626.2); c.-344C>G (NM_001350627.2); short protein forms L12V.
Identifiers: ClinVar variation 540155 (VCV000540155.7), dbSNP rs1554298600, ClinGen allele CA366633592.
Genomic context (GRCh38, chr7:2,554,398, plus strand): 5'-GCTTCTCCAAACAGGTGTCATCTGCCACCGGCTGCCTGGGATCTACCAGAACAGCACAGA[G>C]AGCCGGGAGCAGCTGGGCGCATTCTGGGTCCATGGTGAGGCCGCAGGCCCTGCAAAGGCA-3'
Protein context (NP_689956.2, residues 2-22): DPECAQLLPA[Leu12Val]CAVLVDPRQP

ClinVar aggregate classification (germline): Uncertain significance. Review status: criteria provided, multiple submitters, no conflicts (2 of 4 stars). 2 submissions from 2 submitters: Uncertain significance (2). Last evaluated 2022-07-05.

Conditions:
Neonatal-onset encephalopathy with rigidity and seizures. Also called: Lethal neonatal spasticity-epileptic encephalopathy syndrome. Identifiers: Orphanet 435845, MedGen C3281029, MONDO:0013784, OMIM 614498.

gnomAD v4.1: 2 of 1,613,944 alleles (0.00012%); highest among the groups gnomAD compares: Non-Finnish European, 0.00017%; no homozygotes.

Submissions (2):

Labcorp Genetics (formerly Invitae), Labcorp
Classification: Uncertain significance for Neonatal-onset encephalopathy with rigidity and seizures. Last evaluated: 2022-07-05. Review status: criteria provided, single submitter. Criteria: Invitae Variant Classification Sherloc (09022015). Collection method: clinical testing. Allele origin: germline.
Comment: Algorithms developed to predict the effect of missense changes on protein structure and function output the following: SIFT: "Tolerated"; PolyPhen-2: "Benign"; Align-GVGD: "Class C0". The valine amino acid residue is found in multiple mammalian species, which suggests that this missense change does not adversely affect protein function. ClinVar contains an entry for this variant (Variation ID: 540155). This variant has not been reported in the literature in individuals affected with BRAT1-related conditions. This variant is not present in population databases (gnomAD no frequency). This sequence change replaces leucine, which is neutral and non-polar, with valine, which is neutral and non-polar, at codon 12 of the BRAT1 protein (p.Leu12Val). In summary, the available evidence is currently insufficient to determine the role of this variant in disease. Therefore, it has been classified as a Variant of Uncertain Significance.

Baylor Genetics
Classification: Uncertain significance for Neonatal-onset encephalopathy with rigidity and seizures. Last evaluated: 2018-02-13. Review status: criteria provided, single submitter. Criteria: ACMG Guidelines, 2015. Collection method: clinical testing. Allele origin: maternal. Affected: yes.
Comment: This variant was determined to be of uncertain significance according to ACMG Guidelines, 2015 [PMID:25741868].